The following is an entry in ClinVar:

ClinVar aggregate classification (germline): Uncertain significance (1 of 4 stars; one submission).

Submission:

Dasa
Classification: Uncertain significance. Last evaluated: 2026-07-08. Review status: criteria provided, single submitter. Criteria: DASA Assertion Criteria. Collection method: clinical testing. Allele origin: germline.
Comment: NM_004380.3(CREBBP):c.4489A>G (p.Lys1497Glu) is a missense variant that results in the substitution of lysine with glutamic acid. This variant is absent from population databases. Computational prediction algorithms are consistent with a deleterious effect. The currently available literature and clinical evidence are not sufficient to establish a definitive association between this variant and the reported condition. Therefore, this variant is classified as a variant of uncertain significance.

NM_004380.3(CREBBP):c.4489A>G (p.Lys1497Glu)

Gene: CREBBP (CREB binding lysine acetyltransferase; minus strand). Cytogenetic location: 16p13.3.
Variant type: single nucleotide variant.
Coding change: c.4489A>G on transcript NM_004380.3 (MANE Select); coding-DNA position 4489, A replaced by G.
Protein change: p.Lys1497Glu; replaces lysine 1497 with glutamic acid.
Molecular consequence: missense variant.
Genome position (GRCh38, 1-based): chr16:3,736,721, T>C on the plus strand (A>G on the coding strand, the complement: CREBBP is on the minus strand). VCF-style: chr16-3736721-T-C. GRCh37 (hg19) VCF-style: chr16-3786722-T-C.
Other names: c.4375A>G, p.Lys1459Glu (NM_001079846.1); short protein forms K1459E, K1497E.
Identifiers: ClinVar variation 5020224 (VCV005020224.1).